The following is an entry in ClinVar:

ClinVar aggregate classification (germline): Uncertain significance (1 of 4 stars; one submission).

Submission:

CeGaT Center for Human Genetics Tuebingen
Classification: Uncertain significance. Last evaluated: 2025-09-01. Review status: criteria provided, single submitter. Criteria: CeGaT Center For Human Genetics Tuebingen Variant Classification Criteria Version 2. Collection method: clinical testing. Allele origin: germline. Affected: yes. Observed: 1 variant allele.
Comment: SOX9: PM1, PM2, PP3

NM_000346.4(SOX9):c.391C>G (p.His131Asp)

Genes: SOX9 (SRY-box transcription factor 9; plus strand), LOC108021846 (SOX9 promoter region; plus strand). Cytogenetic location: 17q24.3.
Variant type: single nucleotide variant.
Coding change: c.391C>G on transcript NM_000346.4 (MANE Select); coding-DNA position 391, C replaced by G.
Protein change: p.His131Asp; replaces histidine 131 with aspartic acid.
Molecular consequence: missense variant.
Genome position (GRCh38, 1-based): chr17:72,121,782, C>G. VCF-style: chr17-72121782-C-G. GRCh37 (hg19) VCF-style: chr17-70117923-C-G.
Other names: short protein forms H131D.
Identifiers: ClinVar variation 4281432 (VCV004281432.7).
Genomic context (GRCh38, chr17:72,121,782, plus strand): 5'-GCCTTCATGGTGTGGGCGCAGGCGGCGCGCAGGAAGCTCGCGGACCAGTACCCGCACTTG[C>G]ACAACGCCGAGCTCAGCAAGACGCTGGGCAAGCTCTGGAGGTAGGACCCGGCGGGGGCGG-3'
Protein context (NP_000337.1, residues 121-141): RKLADQYPHL[His131Asp]NAELSKTLGK